The following is an entry in ClinVar:

ClinVar aggregate classification (germline): Uncertain significance (1 of 4 stars; one submission).

Conditions:
Epidermolysis bullosa simplex 3, localized or generalized intermediate, with BP230 deficiency (EBS3). Also called: Epidermolysis bullosa simplex, autosomal recessive 2; Epidermolysis bullosa simplex due to BP230 deficiency. Identifiers: Orphanet 412181, MedGen C3809470, MONDO:0014180, OMIM 615425.
Hereditary sensory and autonomic neuropathy type 6. Also called: Neuropathy, hereditary sensory and autonomic, type VI; HSAN VI. Identifiers: Orphanet 314381, MedGen C3539003, MONDO:0013839, OMIM 614653.

Allele frequency attached by ClinVar (database versions not stated): gnomAD exomes below 0.00001.
gnomAD v4.1: 1 of 1,614,092 alleles (0.000062%); highest among the groups gnomAD compares: Non-Finnish European, 0.000085%; no homozygotes.

Submission:

Labcorp Genetics (formerly Invitae), Labcorp
Classification: Uncertain significance for Epidermolysis bullosa simplex 3, localized or generalized intermediate, with BP230 deficiency; Hereditary sensory and autonomic neuropathy type 6. Last evaluated: 2018-06-13. Review status: criteria provided, single submitter. Criteria: Invitae Variant Classification Sherloc (09022015). Collection method: clinical testing. Allele origin: germline.
Comment: This variant is not present in population databases (ExAC no frequency). This sequence change replaces serine with alanine at codon 2138 of the DST protein (p.Ser2138Ala). The serine residue is highly conserved and there is a moderate physicochemical difference between serine and alanine. In summary, the available evidence is currently insufficient to determine the role of this variant in disease. Therefore, it has been classified as a Variant of Uncertain Significance. Algorithms developed to predict the effect of missense changes on protein structure and function are either unavailable or do not agree on the potential impact of this missense change (SIFT: "Deleterious"; PolyPhen-2: "Benign"; Align-GVGD: "Class C65"). This variant has not been reported in the literature in individuals with DST-related disease.

NM_001723.7(DST):c.6412T>G (p.Ser2138Ala)

Gene: DST (dystonin; minus strand). Cytogenetic location: 6p12.1.
Variant type: single nucleotide variant.
Coding change: c.6412T>G on transcript NM_001723.7 (MANE Plus Clinical); coding-DNA position 6412, T replaced by G.
Protein change: p.Ser2138Ala; replaces serine 2138 with alanine.
Molecular consequence: missense variant. On other transcripts: intron variant (10).
Genome position (GRCh38, 1-based): chr6:56,617,055, A>C on the plus strand (T>G on the coding strand, the complement: DST is on the minus strand). VCF-style: chr6-56617055-A-C. GRCh37 (hg19) VCF-style: chr6-56481853-A-C.
Other names: c.4831-2571T>G (NM_001144769.5); c.4930-2571T>G (NM_001374722.1, NM_001374736.1); c.4957-2571T>G (NM_001374734.1); c.4417-2571T>G (NM_001144770.2); c.4297-2571T>G (NM_001374730.1, NM_001386100.1, NM_183380.4 and 1 more transcripts); c.3319-2571T>G (NM_015548.5); short protein forms S2138A.
Identifiers: ClinVar variation 575042 (VCV000575042.9), dbSNP rs1563216810, ClinGen allele CA364565195.